The following is an entry in ClinVar:

NM_000059.4(BRCA2):c.1651G>A (p.Asp551Asn)

Gene: BRCA2 (BRCA2 DNA repair associated; plus strand). Cytogenetic location: 13q13.1.
Variant type: single nucleotide variant.
Coding change: c.1651G>A on transcript NM_000059.4 (MANE Select); coding-DNA position 1651, G replaced by A.
Protein change: p.Asp551Asn; replaces aspartic acid 551 with asparagine.
Molecular consequence: missense variant.
Genome position (GRCh38, 1-based): chr13:32,333,129, G>A. VCF-style: chr13-32333129-G-A. GRCh37 (hg19) VCF-style: chr13-32907266-G-A.
Other names: short protein forms D551N.
Identifiers: ClinVar variation 233579 (VCV000233579.11), dbSNP rs876660500, ClinGen allele CA10579499.
Genomic context (GRCh38, chr13:32,333,129, plus strand): 5'-AAAGAAACTGAAGCCTCTGAAAGTGGACTGGAAATACATACTGTTTGCTCACAGAAGGAG[G>A]ACTCCTTATGTCCAAATTTAATTGATAATGGAAGCTGGCCAGCCACCACCACACAGAATT-3'
Protein context (NP_000050.3, residues 541-561): EIHTVCSQKE[Asp551Asn]SLCPNLIDNG

ClinVar aggregate classification (germline): Conflicting classifications of pathogenicity. Review status: criteria provided, conflicting classifications (1 of 4 stars). 3 submissions from 3 submitters: Uncertain significance (2); Likely benign (1). Last evaluated 2024-09-18.

Conditions:
Hereditary breast ovarian cancer syndrome. Also called: Hereditary breast and ovarian cancer syndrome; BRCA1- and BRCA2-Associated Hereditary Breast and Ovarian Cancer; Breast and ovarian cancer; Hereditary breast and/or ovarian cancer syndrome; Hereditary breast and ovarian cancer; Hereditary breast and ovarian cancer syndrome (HBOC). Identifiers: Orphanet 145, MedGen C0677776, MeSH D061325, MONDO:0003582. Disease mechanism: loss of function.
Hereditary cancer-predisposing syndrome. Also called: Neoplastic Syndromes, Hereditary; Tumor predisposition; Hereditary Cancer Syndrome; Hereditary neoplastic syndrome. Identifiers: Orphanet 140162, MedGen C0027672, MeSH D009386, MONDO:0015356.

Submissions (3):

Labcorp Genetics (formerly Invitae), Labcorp
Classification: Uncertain significance for Hereditary breast ovarian cancer syndrome. Last evaluated: 2024-09-18. Review status: criteria provided, single submitter. Criteria: Invitae Variant Classification Sherloc (09022015). Collection method: clinical testing. Allele origin: germline.
Comment: This sequence change replaces aspartic acid, which is acidic and polar, with asparagine, which is neutral and polar, at codon 551 of the BRCA2 protein (p.Asp551Asn). This variant is not present in population databases (gnomAD no frequency). This variant has not been reported in the literature in individuals affected with BRCA2-related conditions. ClinVar contains an entry for this variant (Variation ID: 233579). Invitae Evidence Modeling of protein sequence and biophysical properties (such as structural, functional, and spatial information, amino acid conservation, physicochemical variation, residue mobility, and thermodynamic stability) indicates that this missense variant is not expected to disrupt BRCA2 protein function with a negative predictive value of 95%. In summary, the available evidence is currently insufficient to determine the role of this variant in disease. Therefore, it has been classified as a Variant of Uncertain Significance.

University of Washington Department of Laboratory Medicine, University of Washington
Classification: Likely benign for Hereditary cancer-predisposing syndrome. Last evaluated: 2023-03-23. Review status: criteria provided, single submitter. Criteria: Dines et al. (Genet Med. 2020). Collection method: curation. Allele origin: germline.
Comment: Missense variant in a coldspot region where missense variants are very unlikely to be pathogenic (PMID:31911673).

BRCA2 exon 10 coldspot. Reclassification based on statistical prior probability.

Ambry Genetics
Classification: Uncertain significance for Hereditary cancer-predisposing syndrome. Last evaluated: 2021-07-26. Review status: criteria provided, single submitter. Criteria: Ambry Variant Classification Scheme 2023. Collection method: clinical testing. Allele origin: germline.
Comment: The p.D551N variant (also known as c.1651G>A), located in coding exon 9 of the BRCA2 gene, results from a G to A substitution at nucleotide position 1651. The aspartic acid at codon 551 is replaced by asparagine, an amino acid with highly similar properties. This amino acid position is not well conserved in available vertebrate species. In addition, this alteration is predicted to be tolerated by in silico analysis. Since supporting evidence is limited at this time, the clinical significance of this alteration remains unclear.